The following is an entry in ClinVar:

NM_004385.5(VCAN):c.5312A>G (p.Lys1771Arg)

Genes: VCAN (versican; plus strand), VCAN-AS1 (VCAN antisense RNA 1; minus strand). Cytogenetic location: 5q14.3.
Variant type: single nucleotide variant.
Coding change: c.5312A>G on transcript NM_004385.5 (MANE Select); coding-DNA position 5312, A replaced by G.
Protein change: p.Lys1771Arg; replaces lysine 1771 with arginine.
Molecular consequence: missense variant. On other transcripts: intron variant (2).
Genome position (GRCh38, 1-based): chr5:83,538,315, A>G. VCF-style: chr5-83538315-A-G. GRCh37 (hg19) VCF-style: chr5-82834134-A-G.
Other names: c.2351A>G, p.Lys784Arg (NM_001164097.2); c.4004-7222A>G (NM_001164098.2); c.1043-7222A>G (NM_001126336.3); short protein forms K784R, K1771R.
Identifiers: ClinVar variation 1482038 (VCV001482038.8), dbSNP rs1431721087, ClinGen allele CA360310132.
Genomic context (GRCh38, chr5:83,538,315, plus strand): 5'-TTTTACCCTTTGAATTAGAAAGTCCAAATGTAGCTACATCTAGTGATTCAGGTACCAGGA[A>G]AAGTTTTATGTCCTTGACAACACCAACACAGTCTGAAAGGGAAATGACAGATTCTACTCC-3'
Protein context (NP_004376.2, residues 1761-1781): VATSSDSGTR[Lys1771Arg]SFMSLTTPTQ

ClinVar aggregate classification (germline): Uncertain significance (1 of 4 stars; one submission).

Allele frequency attached by ClinVar (database versions not stated): gnomAD exomes below 0.00001 and 0.00001; TOPMed below 0.00001; gnomAD 0.00001.
gnomAD v4.1: 4 of 1,614,100 alleles (0.00025%); highest among the groups gnomAD compares: East Asian, 0.0045%; no homozygotes.

Submission:

Labcorp Genetics (formerly Invitae), Labcorp
Classification: Uncertain significance. Last evaluated: 2025-05-15. Review status: criteria provided, single submitter. Criteria: Invitae Variant Classification Sherloc (09022015). Collection method: clinical testing. Allele origin: germline.
Comment: This sequence change replaces lysine, which is basic and polar, with arginine, which is basic and polar, at codon 1771 of the VCAN protein (p.Lys1771Arg). This variant is present in population databases (no rsID available, gnomAD 0.006%). This variant has not been reported in the literature in individuals affected with VCAN-related conditions. ClinVar contains an entry for this variant (Variation ID: 1482038). An algorithm developed to predict the effect of missense changes on protein structure and function outputs the following: PolyPhen-2: "Benign". The arginine amino acid residue is found in multiple mammalian species, which suggests that this missense change does not adversely affect protein function. In summary, the available evidence is currently insufficient to determine the role of this variant in disease. Therefore, it has been classified as a Variant of Uncertain Significance.